The following is an entry in ClinVar:

ClinVar aggregate classification (germline): Pathogenic (1 of 4 stars; one submission).

Conditions:
RYR1-related disorder. Also called: RYR1-related condition; RYR1-related disorders. Identifiers: MedGen CN239331.

Submission:

Labcorp Genetics (formerly Invitae), Labcorp
Classification: Pathogenic for RYR1-related disorder. Last evaluated: 2022-08-22. Review status: criteria provided, single submitter. Criteria: Invitae Variant Classification Sherloc (09022015). Collection method: clinical testing. Allele origin: germline.
Comment: For these reasons, this variant has been classified as Pathogenic. ClinVar contains an entry for this variant (Variation ID: 544435). This premature translational stop signal has been observed in individual(s) with RYR1-related disease (Invitae). This variant is not present in population databases (gnomAD no frequency). This sequence change creates a premature translational stop signal (p.Glu1740*) in the RYR1 gene. It is expected to result in an absent or disrupted protein product. Loss-of-function variants in RYR1 are known to be pathogenic (PMID: 20583297, 20839240, 23919265, 28818389).

Literature cited by the submitters: PubMed 20583297; PubMed 20839240; PubMed 23919265; PubMed 28818389.

NM_000540.3(RYR1):c.5218G>T (p.Glu1740Ter)

Gene: RYR1 (ryanodine receptor 1; plus strand). Cytogenetic location: 19q13.2.
Variant type: single nucleotide variant.
Coding change: c.5218G>T on transcript NM_000540.3 (MANE Select); coding-DNA position 5218, G replaced by T.
Protein change: p.Glu1740Ter; replaces glutamic acid 1740 with a stop codon.
Molecular consequence: nonsense.
Genome position (GRCh38, 1-based): chr19:38,485,873, G>T. VCF-style: chr19-38485873-G-T. GRCh37 (hg19) VCF-style: chr19-38976513-G-T.
Other names: c.5218G>T, p.Glu1740Ter (NM_001042723.2); short protein forms E1740*.
Identifiers: ClinVar variation 544435 (VCV000544435.6), dbSNP rs1169938399, ClinGen allele CA405654199.